The following is an entry in ClinVar:

NM_006312.6(NCOR2):c.4959A>G (p.Arg1653=)

Gene: NCOR2 (nuclear receptor corepressor 2; minus strand). Cytogenetic location: 12q24.31.
Variant type: single nucleotide variant.
Coding change: c.4959A>G on transcript NM_006312.6 (MANE Select); coding-DNA position 4959, A replaced by G.
Protein change: p.Arg1653=; no amino-acid change (arginine 1653 retained).
Molecular consequence: synonymous variant.
Genome position (GRCh38, 1-based): chr12:124,342,052, T>C on the plus strand (A>G on the coding strand, the complement: NCOR2 is on the minus strand). VCF-style: chr12-124342052-T-C. GRCh37 (hg19) VCF-style: chr12-124826598-T-C.
Other names: c.4929A>G, p.Arg1643= (NM_001077261.4, NM_001206654.2).
Identifiers: ClinVar variation 3059345 (VCV003059345.2), dbSNP rs2230942, ClinGen allele CA6868104.

ClinVar aggregate classification (germline): Benign (0 of 4 stars; one submission).

Conditions:
NCOR2-related disorder. Also called: NCOR2-related condition.

Allele frequency attached by ClinVar (database versions not stated): gnomAD exomes 0.07994; ExAC 0.11000; ESP Exome Variant Server 0.13187; gnomAD 0.14143; TOPMed 0.14594; 1000 Genomes Project 30x 0.18551; 1000 Genomes Project 0.18590.
gnomAD v4.1: 139,144 of 1,610,632 alleles (8.6%); highest among the groups gnomAD compares: East Asian, 33%; 9,653 homozygotes.

Submission:

PreventionGenetics, part of Exact Sciences
Classification: Benign for NCOR2-related condition. Last evaluated: 2019-02-18. Review status: no assertion criteria provided. Collection method: clinical testing. Allele origin: germline.
Comment: This variant is classified as benign based on ACMG/AMP sequence variant interpretation guidelines (Richards et al. 2015 PMID: 25741868, with internal and published modifications).